The following is an entry in ClinVar:

NM_001458.5(FLNC):c.4643G>A (p.Gly1548Asp)

Gene: FLNC (filamin C; plus strand). Cytogenetic location: 7q32.1.
Variant type: single nucleotide variant.
Coding change: c.4643G>A on transcript NM_001458.5 (MANE Select); coding-DNA position 4643, G replaced by A.
Protein change: p.Gly1548Asp; replaces glycine 1548 with aspartic acid.
Molecular consequence: missense variant.
Genome position (GRCh38, 1-based): chr7:128,848,623, G>A. VCF-style: chr7-128848623-G-A. GRCh37 (hg19) VCF-style: chr7-128488677-G-A.
Other names: c.4643G>A, p.Gly1548Asp (NM_001127487.2); short protein forms G1548D.
Identifiers: ClinVar variation 4025602 (VCV004025602.1).

ClinVar aggregate classification (germline): Uncertain significance (1 of 4 stars; one submission).

Conditions:
Cardiovascular phenotype. Identifiers: MedGen CN230736.

Submission:

Ambry Genetics
Classification: Uncertain significance for Cardiovascular phenotype. Last evaluated: 2025-03-31. Review status: criteria provided, single submitter. Criteria: Ambry Variant Classification Scheme 2023. Collection method: clinical testing. Allele origin: germline.
Comment: The p.G1548D variant (also known as c.4643G>A), located in coding exon 27 of the FLNC gene, results from a G to A substitution at nucleotide position 4643. The glycine at codon 1548 is replaced by aspartic acid, an amino acid with similar properties. This amino acid position is conserved. In addition, this alteration is predicted to be deleterious by in silico analysis. Based on the available evidence, the clinical significance of this variant remains unclear.